The following is an entry in ClinVar:

NM_000384.3(APOB):c.8014A>G (p.Ile2672Val)

Gene: APOB (apolipoprotein B; minus strand). Cytogenetic location: 2p24.1.
Variant type: single nucleotide variant.
Coding change: c.8014A>G on transcript NM_000384.3 (MANE Select); coding-DNA position 8014, A replaced by G.
Protein change: p.Ile2672Val; replaces isoleucine 2672 with valine.
Molecular consequence: missense variant.
Genome position (GRCh38, 1-based): chr2:21,008,854, T>C on the plus strand (A>G on the coding strand, the complement: APOB is on the minus strand). VCF-style: chr2-21008854-T-C. GRCh37 (hg19) VCF-style: chr2-21231726-T-C.
Other names: short protein forms I2672V.
Identifiers: ClinVar variation 2318541 (VCV002318541.3), dbSNP rs941868010, ClinGen allele CA43501529.
Genomic context (GRCh38, chr2:21,008,854, plus strand): 5'-ATATATCTGGAACGGGCCACTGCAGCTCACTGTTCAGCATCTGGTCAATGGTTCTGATGA[T>C]CTTTACTTTCATTTCTACAAAGTCAATTGTAAAGGAAGGAATGTGGAAGGTGTTAAGGAT-3'
Protein context (NP_000375.3, residues 2662-2682): TIDFVEMKVK[Ile2672Val]IRTIDQMLNS

ClinVar aggregate classification (germline): Uncertain significance (1 of 4 stars; one submission).

Conditions:
Cardiovascular phenotype. Identifiers: MedGen CN230736.

Allele frequency attached by ClinVar (database versions not stated): TOPMed 0.00001; gnomAD 0.00002; gnomAD exomes below 0.00001.
gnomAD v4.1: 4 of 1,614,000 alleles (0.00025%); highest among the groups gnomAD compares: African/African-American, 0.0053%; no homozygotes.

Submission:

Ambry Genetics
Classification: Uncertain significance for Cardiovascular phenotype. Last evaluated: 2026-09-11. Review status: criteria provided, single submitter. Criteria: Ambry Variant Classification Scheme 2023. Collection method: clinical testing. Allele origin: germline.
Comment: The p.I2672V variant (also known as c.8014A>G), located in coding exon 26 of the APOB gene, results from an A to G substitution at nucleotide position 8014. The isoleucine at codon 2672 is replaced by valine, an amino acid with highly similar properties. This amino acid position is conserved. In addition, this alteration is predicted to be tolerated by in silico analysis. Based on the available evidence, the clinical significance of this variant remains unclear.